The following is an entry in ClinVar:

NM_006767.4(LZTR1):c.2519T>C (p.Ile840Thr)

Gene: LZTR1 (leucine zipper like post translational regulator 1; plus strand). Cytogenetic location: 22q11.21.
Variant type: single nucleotide variant.
Coding change: c.2519T>C on transcript NM_006767.4 (MANE Select); coding-DNA position 2519, T replaced by C.
Protein change: p.Ile840Thr; replaces isoleucine 840 with threonine.
Molecular consequence: missense variant.
Genome position (GRCh38, 1-based): chr22:20,997,344, T>C. VCF-style: chr22-20997344-T-C. GRCh37 (hg19) VCF-style: chr22-21351633-T-C.
Other names: short protein forms I840T.
Identifiers: ClinVar variation 3541493 (VCV003541493.3).

ClinVar aggregate classification (germline): Uncertain significance. Review status: criteria provided, multiple submitters, no conflicts (2 of 4 stars). 2 submissions from 2 submitters: Uncertain significance (2). Last evaluated 2024-09-08.

Conditions:
Hereditary cancer-predisposing syndrome. Also called: Hereditary Cancer Syndrome; Hereditary neoplastic syndrome; Tumor predisposition; Neoplastic Syndromes, Hereditary. Identifiers: Orphanet 140162, MedGen C0027672, MeSH D009386, MONDO:0015356.
Cardiovascular phenotype. Identifiers: MedGen CN230736.

gnomAD v4.1: 1 of 1,609,796 alleles (0.000062%); highest among the groups gnomAD compares: East Asian, 0.0022%; no homozygotes.

Submissions (2):

Ambry Genetics
Classification: Uncertain significance for Cardiovascular phenotype; Hereditary cancer-predisposing syndrome. Last evaluated: 2024-09-08. Review status: criteria provided, single submitter. Criteria: Ambry Variant Classification Scheme 2023. Collection method: clinical testing. Allele origin: germline.
Comment: The p.I840T variant (also known as c.2519T>C), located in coding exon 21 of the LZTR1 gene, results from a T to C substitution at nucleotide position 2519. The isoleucine at codon 840 is replaced by threonine, an amino acid with similar properties. This amino acid position is conserved. In addition, this alteration is predicted to be deleterious by in silico analysis. Based on the available evidence, the clinical significance of this variant remains unclear.

Labcorp Genetics (formerly Invitae), Labcorp
Classification: Uncertain significance. Last evaluated: 2024-06-04. Review status: criteria provided, single submitter. Criteria: Invitae Variant Classification Sherloc (09022015). Collection method: clinical testing. Allele origin: germline.
Comment: This sequence change replaces isoleucine, which is neutral and non-polar, with threonine, which is neutral and polar, at codon 840 of the LZTR1 protein (p.Ile840Thr). This variant is not present in population databases (gnomAD no frequency). This variant has not been reported in the literature in individuals affected with LZTR1-related conditions. Advanced modeling of protein sequence and biophysical properties (such as structural, functional, and spatial information, amino acid conservation, physicochemical variation, residue mobility, and thermodynamic stability) performed at Invitae indicates that this missense variant is not expected to disrupt LZTR1 protein function with a negative predictive value of 80%. In summary, the available evidence is currently insufficient to determine the role of this variant in disease. Therefore, it has been classified as a Variant of Uncertain Significance.